The following is an entry in ClinVar:

ClinVar aggregate classification (germline): Uncertain significance. Review status: criteria provided, multiple submitters, no conflicts (2 of 4 stars). 3 submissions from 3 submitters: Uncertain significance (3). Last evaluated 2026-07-06.

Conditions:
Hereditary nonpolyposis colorectal neoplasms. Identifiers: MedGen C0009405, MeSH D003123.
Lynch syndrome. Identifiers: Orphanet 144, MedGen C4552100, MONDO:0005835. Disease mechanism: loss of function.
Hereditary cancer-predisposing syndrome. Also called: Hereditary neoplastic syndrome; Neoplastic Syndromes, Hereditary; Tumor predisposition; Hereditary Cancer Syndrome. Identifiers: Orphanet 140162, MedGen C0027672, MeSH D009386, MONDO:0015356.

Allele frequency attached by ClinVar (database versions not stated): gnomAD exomes below 0.00001.
gnomAD v4.1: 1 of 1,614,210 alleles (0.000062%); highest among the groups gnomAD compares: Non-Finnish European, 0.000085%; no homozygotes.

Submissions (3):

Ambry Genetics
Classification: Uncertain significance for Hereditary cancer-predisposing syndrome. Last evaluated: 2026-07-06. Review status: criteria provided, single submitter. Criteria: Ambry Variant Classification Scheme 2023. Collection method: clinical testing. Allele origin: germline.
Comment: The p.S126L variant (also known as c.377C>T), located in coding exon 2 of the MSH6 gene, results from a C to T substitution at nucleotide position 377. The serine at codon 126 is replaced by leucine, an amino acid with dissimilar properties. This amino acid position is conserved. In addition, this alteration is predicted to be tolerated by in silico analysis. Based on the available evidence, the clinical significance of this variant remains unclear.

Labcorp Genetics (formerly Invitae), Labcorp
Classification: Uncertain significance for Hereditary nonpolyposis colorectal neoplasms. Last evaluated: 2025-11-17. Review status: criteria provided, single submitter. Criteria: Invitae Variant Classification Sherloc (09022015). Collection method: clinical testing. Allele origin: germline.
Comment: This sequence change replaces serine, which is neutral and polar, with leucine, which is neutral and non-polar, at codon 126 of the MSH6 protein (p.Ser126Leu). This variant is not present in population databases (gnomAD no frequency). This variant has not been reported in the literature in individuals affected with MSH6-related conditions. ClinVar contains an entry for this variant (Variation ID: 2038600). Invitae Evidence Modeling of protein sequence and biophysical properties (such as structural, functional, and spatial information, amino acid conservation, physicochemical variation, residue mobility, and thermodynamic stability) indicates that this missense variant is not expected to disrupt MSH6 protein function with a negative predictive value of 95%. In summary, the available evidence is currently insufficient to determine the role of this variant in disease. Therefore, it has been classified as a Variant of Uncertain Significance.

Department of Pathology and Laboratory Medicine, Sinai Health System
Classification: Uncertain significance for Lynch syndrome. Last evaluated: 2022-07-04. Review status: criteria provided, single submitter. Criteria: ACMG Guidelines, 2015. Collection method: clinical testing. Allele origin: germline. Affected: yes.

NM_000179.3(MSH6):c.377C>T (p.Ser126Leu)

Gene: MSH6 (mutS homolog 6; plus strand). Cytogenetic location: 2p16.3.
Variant type: single nucleotide variant.
Coding change: c.377C>T on transcript NM_000179.3 (MANE Select); coding-DNA position 377, C replaced by T.
Protein change: p.Ser126Leu; replaces serine 126 with leucine.
Molecular consequence: missense variant. On other transcripts: 5 prime UTR variant (2), intron variant (1).
Genome position (GRCh38, 1-based): chr2:47,791,043, C>T. VCF-style: chr2-47791043-C-T. GRCh37 (hg19) VCF-style: chr2-48018182-C-T.
Other names: c.-360C>T (NM_001281493.2, NM_001406811.1, NM_001406823.1 and 1 more transcripts); c.-526C>T (NM_001281494.2); c.473C>T, p.Ser158Leu (NM_001406795.1, NM_001406802.1); c.377C>T, p.Ser126Leu (NM_001406796.1, NM_001406798.1, NM_001406800.1 and 6 more transcripts); c.80C>T, p.Ser27Leu (NM_001406797.1, NM_001406801.1, NM_001406805.1 and 10 more transcripts); c.238-7568C>T (NM_001281492.2); c.299C>T, p.Ser100Leu (NM_001406804.1); c.-552C>T (NM_001406807.1); and 2 more; short protein forms S70L, S126L, S158L, S27L, S100L.
Identifiers: ClinVar variation 2038600 (VCV002038600.6), dbSNP rs1114167689, ClinGen allele CA346737043.
Genomic context (GRCh38, chr2:47,791,043, plus strand): 5'-GGCCTTGTCTGGTTTACAACCACCCCTTTGATGGAACATTCATCCGCGAGAAAGGGAAAT[C>T]AGTCCGTGTTCATGTACAGTTTTTTGATGACAGCCCAACAAGGGGCTGGGTTAGCAAAAG-3'
Protein context (NP_000170.1, residues 116-136): DGTFIREKGK[Ser126Leu]VRVHVQFFDD